The following is an entry in ClinVar:

ClinVar aggregate classification (germline): Uncertain significance. Review status: criteria provided, multiple submitters, no conflicts (2 of 4 stars). 5 submissions from 5 submitters: Uncertain significance (5). Last evaluated 2026-01-26.

Conditions:
ALPL-related disorder. Also called: ALPL-related condition; ALPL-related disorders.
Childhood hypophosphatasia. Identifiers: Orphanet 247667, Orphanet 436, MedGen C0220743, MONDO:1010168, OMIM 241510, MONDO:0009428.
Infantile hypophosphatasia. Identifiers: Orphanet 247651, Orphanet 436, MedGen C0268412, MONDO:1010169, OMIM 241500, MONDO:0009427.
Adult hypophosphatasia. Identifiers: Orphanet 247676, Orphanet 436, MedGen C0268413, MONDO:1010154, OMIM 146300, MONDO:0007798.
Inborn genetic diseases. Identifiers: MedGen C0950123, MeSH D030342.

Allele frequency attached by ClinVar (database versions not stated): gnomAD exomes 0.00001 and 0.00003; gnomAD 0.00002; TOPMed 0.00002.
gnomAD v4.1: 47 of 1,613,582 alleles (0.0029%); highest among the groups gnomAD compares: Non-Finnish European, 0.0038%; 1 homozygote.

Submissions (5):

GeneDx
Classification: Uncertain significance. Last evaluated: 2026-01-26. Review status: criteria provided, single submitter. Criteria: GeneDx Variant Classification Process June 2021. Collection method: clinical testing. Allele origin: germline.
Comment: Not observed at significant frequency in large population cohorts (gnomAD); In silico analysis suggests that this missense variant does not alter protein structure/function; Has not been previously published as pathogenic or benign to our knowledge

PreventionGenetics, part of Exact Sciences
Classification: Uncertain significance for ALPL-related condition. Last evaluated: 2025-12-02. Review status: criteria provided, single submitter. Criteria: ACMG Guidelines, 2015. Collection method: clinical testing. Allele origin: germline.
Comment: The ALPL c.241C>T variant is predicted to result in the amino acid substitution p.Pro81Ser. To our knowledge, this variant has not been reported in the literature. This variant is reported in 0.0031% of alleles in individuals of European (Non-Finnish) descent in gnomAD. At this time, the clinical significance of this variant is uncertain due to the absence of conclusive functional and genetic evidence.

Ambry Genetics
Classification: Uncertain significance for Inborn genetic diseases. Last evaluated: 2025-09-23. Review status: criteria provided, single submitter. Criteria: Ambry Variant Classification Scheme 2023. Collection method: clinical testing. Allele origin: germline.

Labcorp Genetics (formerly Invitae), Labcorp
Classification: Uncertain significance. Last evaluated: 2024-12-09. Review status: criteria provided, single submitter. Criteria: Invitae Variant Classification Sherloc (09022015). Collection method: clinical testing. Allele origin: germline.
Comment: This sequence change replaces proline, which is neutral and non-polar, with serine, which is neutral and polar, at codon 81 of the ALPL protein (p.Pro81Ser). This variant is present in population databases (no rsID available, gnomAD 0.003%). This variant has not been reported in the literature in individuals affected with ALPL-related conditions. ClinVar contains an entry for this variant (Variation ID: 1497994). Invitae Evidence Modeling of protein sequence and biophysical properties (such as structural, functional, and spatial information, amino acid conservation, physicochemical variation, residue mobility, and thermodynamic stability) indicates that this missense variant is not expected to disrupt ALPL protein function with a negative predictive value of 95%. In summary, the available evidence is currently insufficient to determine the role of this variant in disease. Therefore, it has been classified as a Variant of Uncertain Significance.

Fulgent Genetics
Classification: Uncertain significance for Adult hypophosphatasia; Infantile hypophosphatasia; Childhood hypophosphatasia. Last evaluated: 2021-07-09. Review status: criteria provided, single submitter. Criteria: ACMG Guidelines, 2015. Collection method: clinical testing. Allele origin: unknown.

NM_000478.6(ALPL):c.241C>T (p.Pro81Ser)

Gene: ALPL (alkaline phosphatase, biomineralization associated; plus strand). Cytogenetic location: 1p36.12.
Variant type: single nucleotide variant.
Coding change: c.241C>T on transcript NM_000478.6 (MANE Select); coding-DNA position 241, C replaced by T.
Protein change: p.Pro81Ser; replaces proline 81 with serine.
Molecular consequence: missense variant. On other transcripts: intron variant (1).
Genome position (GRCh38, 1-based): chr1:21,561,156, C>T. VCF-style: chr1-21561156-C-T. GRCh37 (hg19) VCF-style: chr1-21887649-C-T.
Other names: c.241C>T (NM_000478.5, NM_000478.4); c.76C>T, p.Pro26Ser (NM_001127501.4); c.241C>T, p.Pro81Ser (NM_001369803.2, NM_001369804.2, NM_001369805.2); c.66+411C>T (NM_001177520.3); short protein forms P81S, P26S.
Identifiers: ClinVar variation 1497994 (VCV001497994.10), dbSNP rs915866721, ClinGen allele CA19088495.
Genomic context (GRCh38, chr1:21,561,156, plus strand): 5'-GGGATGGGTGTCTCCACAGTGACGGCTGCCCGCATCCTCAAGGGTCAGCTCCACCACAAC[C>T]CTGGGGAGGAGACCAGGCTGGAGATGGACAAGTTCCCCTTCGTGGCCCTCTCCAAGGTGA-3'
Protein context (NP_000469.3, residues 71-91): RILKGQLHHN[Pro81Ser]GEETRLEMDK